The following is an entry in ClinVar:

ClinVar aggregate classification (germline): Uncertain significance (1 of 4 stars; one submission).

Conditions:
Intellectual disability, autosomal recessive 53 (NEDHSCA). Also called: GLYCOSYLPHOSPHATIDYLINOSITOL BIOSYNTHESIS DEFECT 13; Mental retardation, autosomal recessive 53; NEURODEVELOPMENTAL DISORDER WITH OR WITHOUT HYPOTONIA, SEIZURES, AND CEREBELLAR ATROPHY. Identifiers: Orphanet 488635, MedGen C4310794, MONDO:0014832, OMIM 616917.

Submission:

Labcorp Genetics (formerly Invitae), Labcorp
Classification: Uncertain significance for Intellectual disability, autosomal recessive 53. Last evaluated: 2022-08-09. Review status: criteria provided, single submitter. Criteria: Invitae Variant Classification Sherloc (09022015). Collection method: clinical testing. Allele origin: germline.
Comment: This sequence change replaces threonine, which is neutral and polar, with alanine, which is neutral and non-polar, at codon 933 of the PIGG protein (p.Thr933Ala). This variant is not present in population databases (gnomAD no frequency). This variant has not been reported in the literature in individuals affected with PIGG-related conditions. ClinVar contains an entry for this variant (Variation ID: 1523937). Algorithms developed to predict the effect of missense changes on protein structure and function output the following: SIFT: "Tolerated"; PolyPhen-2: "Benign"; Align-GVGD: "Class C0". The alanine amino acid residue is found in multiple mammalian species, which suggests that this missense change does not adversely affect protein function. In summary, the available evidence is currently insufficient to determine the role of this variant in disease. Therefore, it has been classified as a Variant of Uncertain Significance.

NM_001127178.3(PIGG):c.2797A>G (p.Thr933Ala)

Gene: PIGG (phosphatidylinositol glycan anchor biosynthesis class G (EMM blood group); plus strand). Cytogenetic location: 4p16.3.
Variant type: single nucleotide variant.
Coding change: c.2797A>G on transcript NM_001127178.3 (MANE Select); coding-DNA position 2797, A replaced by G.
Protein change: p.Thr933Ala; replaces threonine 933 with alanine.
Molecular consequence: missense variant. On other transcripts: non-coding transcript variant (10).
Genome position (GRCh38, 1-based): chr4:539,214, A>G. VCF-style: chr4-539214-A-G. GRCh37 (hg19) VCF-style: chr4-533003-A-G.
Other names: c.2530A>G, p.Thr844Ala (NM_001289051.2, NM_001345986.2); c.2398A>G, p.Thr800Ala (NM_001289052.2); c.2506A>G, p.Thr836Ala (NM_001345987.2); c.1768A>G, p.Thr590Ala (NM_001345988.2); c.1264A>G, p.Thr422Ala (NM_001345990.2, NM_001345991.2); c.1699A>G, p.Thr567Ala (NM_001345994.2); c.2773A>G, p.Thr925Ala (NM_017733.5); short protein forms T422A, T567A, T836A, T590A, T800A, T925A, T933A, T844A.
Identifiers: ClinVar variation 1523937 (VCV001523937.3), dbSNP rs2109073463, ClinGen allele CA355913295.
Genomic context (GRCh38, chr4:539,214, plus strand): 5'-GGTTCAGCACTGAGTCATGCTTGCTTCTGCTACGCACTGATTTGTTCTATTCCAGTTTTC[A>G]CGTACATCGTTTTGGTGACATCTCTGCGTTATCATTTATTTATATGGAGTGTATTTTCTC-3'
Protein context (NP_001120650.1, residues 923-943): YALICSIPVF[Thr933Ala]YIVLVTSLRY